The following is an entry in ClinVar:

ClinVar aggregate classification (germline): Uncertain significance. Review status: criteria provided, multiple submitters, no conflicts (2 of 4 stars). 5 submissions from 4 submitters: Uncertain significance (5). Last evaluated 2024-07-31.

Conditions:
Retinitis pigmentosa 39 (RP39). Identifiers: Orphanet 791, MedGen C3151138, MONDO:0013436, OMIM 613809.
Usher syndrome type 2A. Also called: RETINAL DISEASE IN USHER SYNDROME TYPE IIA, MODIFIER OF; USHER SYNDROME, TYPE IIA. Identifiers: Orphanet 231178, Orphanet 886, MedGen C1848634, MONDO:0010169, OMIM 276901.

Allele frequency attached by ClinVar (database versions not stated): gnomAD exomes below 0.00001; TOPMed below 0.00001.
gnomAD v4.1: 1 of 1,614,092 alleles (0.000062%); highest among the groups gnomAD compares: Admixed American, 0.0017%; no homozygotes.

Submissions (5):

GeneDx
Classification: Uncertain significance. Last evaluated: 2024-07-31. Review status: criteria provided, single submitter. Criteria: GeneDx Variant Classification Process June 2021. Collection method: clinical testing. Allele origin: germline. Affected: yes.
Comment: Not observed at significant frequency in large population cohorts (gnomAD); In silico analysis supports that this missense variant has a deleterious effect on protein structure/function; Has not been previously published as pathogenic or benign to our knowledge

Genome-Nilou Lab
Classification: Uncertain significance for Retinitis pigmentosa 39. Last evaluated: 2023-11-04. Review status: criteria provided, single submitter. Criteria: ACMG Guidelines, 2015. Collection method: clinical testing. Allele origin: germline. Affected: no.

Genome-Nilou Lab
Classification: Uncertain significance for Usher syndrome type 2A. Last evaluated: 2023-11-04. Review status: criteria provided, single submitter. Criteria: ACMG Guidelines, 2015. Collection method: clinical testing. Allele origin: germline. Affected: no.

Labcorp Genetics (formerly Invitae), Labcorp
Classification: Uncertain significance. Last evaluated: 2023-08-10. Review status: criteria provided, single submitter. Criteria: Invitae Variant Classification Sherloc (09022015). Collection method: clinical testing. Allele origin: germline.
Comment: This sequence change replaces serine, which is neutral and polar, with phenylalanine, which is neutral and non-polar, at codon 4065 of the USH2A protein (p.Ser4065Phe). This variant is not present in population databases (gnomAD no frequency). This variant has not been reported in the literature in individuals affected with USH2A-related conditions. ClinVar contains an entry for this variant (Variation ID: 1707333). Advanced modeling of protein sequence and biophysical properties (such as structural, functional, and spatial information, amino acid conservation, physicochemical variation, residue mobility, and thermodynamic stability) has been performed at Invitae for this missense variant, however the output from this modeling did not meet the statistical confidence thresholds required to predict the impact of this variant on USH2A protein function. In summary, the available evidence is currently insufficient to determine the role of this variant in disease. Therefore, it has been classified as a Variant of Uncertain Significance.

Blueprint Genetics
Classification: Uncertain significance. Last evaluated: 2021-08-05. Review status: criteria provided, single submitter. Criteria: ACMG Guidelines, 2015. Collection method: clinical testing. Allele origin: germline.

NM_206933.4(USH2A):c.12194C>T (p.Ser4065Phe)

Gene: USH2A (usherin; minus strand). Cytogenetic location: 1q41.
Variant type: single nucleotide variant.
Coding change: c.12194C>T on transcript NM_206933.4 (MANE Select); coding-DNA position 12194, C replaced by T.
Protein change: p.Ser4065Phe; replaces serine 4065 with phenylalanine.
Molecular consequence: missense variant.
Genome position (GRCh38, 1-based): chr1:215,680,249, G>A on the plus strand (C>T on the coding strand, the complement: USH2A is on the minus strand). VCF-style: chr1-215680249-G-A. GRCh37 (hg19) VCF-style: chr1-215853591-G-A.
Other names: short protein forms S4065F.
Identifiers: ClinVar variation 1707333 (VCV001707333.10), dbSNP rs1658182041, ClinGen allele CA344816146.